The following is an entry in ClinVar:

ClinVar aggregate classification (germline): Uncertain significance (1 of 4 stars; one submission).

Submission:

Ambry Genetics
Classification: Uncertain significance. Last evaluated: 2024-07-10. Review status: criteria provided, single submitter. Criteria: Ambry Variant Classification Scheme 2023. Collection method: clinical testing. Allele origin: germline.
Comment: The c.4153_4154delAA variant, located in coding exon 37 of the KIF1B gene, results from a deletion of two nucleotides at nucleotide positions 4153 to 4154, causing a translational frameshift with a predicted alternate stop codon (p.K1385Vfs*23). This alteration is expected to result in loss of function by premature protein truncation or nonsense-mediated mRNA decay. The evidence for this gene-disease relationship is limited; therefore, the clinical significance of this alteration is unclear.

NM_001365951.3(KIF1B):c.4291_4292del (p.Lys1431fs)

Gene: KIF1B (kinesin family member 1B; plus strand). Cytogenetic location: 1p36.22.
Variant type: Deletion.
Coding change: c.4291_4292del on transcript NM_001365951.3 (MANE Select); coding-DNA positions 4291 to 4292, 2 bases deleted (AA; older notation c.4291_4292delAA).
Protein change: p.Lys1431fs; shifts the reading frame from lysine 1431.
Molecular consequence: frameshift variant.
Genome position (GRCh38, 1-based): chr1:10,361,812-10,361,813, AA deleted; deleting any 2 consecutive bases within chr1:10,361,811-10,361,813 gives the same sequence; the c. name uses the placement nearest the transcript's 3' end. VCF-style (leftmost placement, unchanged base first): chr1-10361810-CAA-C. GRCh37 (hg19) VCF-style: chr1-10421868-CAA-C.
Other names: c.4291_4292del, p.Lys1431fs (NM_001365952.1); c.4153_4154del, p.Lys1385fs (NM_015074.3); c.4153_4154delAA (NM_015074.3); short protein forms K1385fs, K1431fs.
Identifiers: ClinVar variation 3533913 (VCV003533913.1).
Genomic context (GRCh38, chr1:10,361,810, plus strand): 5'-CCCGAGATGCCAAGATCTCACCACCACGCTCTCTGCGTAGCCTCTTTGGCAGCGGCTACT[CAA>C]AGTCACCAGATTCGTAAGTTTTTCACACAAGTTAGCTTCCAGTGTGTTTGTTCAGTACAA-3'